The following is an entry in ClinVar:

NM_201384.3(PLEC):c.13247C>T (p.Thr4416Met)

Gene: PLEC (plectin; minus strand). Cytogenetic location: 8q24.3.
Variant type: single nucleotide variant.
Coding change: c.13247C>T on transcript NM_201384.3 (MANE Select); coding-DNA position 13247, C replaced by T.
Protein change: p.Thr4416Met; replaces threonine 4416 with methionine.
Molecular consequence: missense variant.
Genome position (GRCh38, 1-based): chr8:143,916,574, G>A on the plus strand (C>T on the coding strand, the complement: PLEC is on the minus strand). VCF-style: chr8-143916574-G-A. GRCh37 (hg19) VCF-style: chr8-144990742-G-A.
Other names: c.13328C>T, p.Thr4443Met (NM_000445.5); c.13205C>T, p.Thr4402Met (NM_201378.4); c.13181C>T, p.Thr4394Met (NM_201379.3); c.13658C>T, p.Thr4553Met (NM_201380.4); c.13151C>T, p.Thr4384Met (NM_201381.3); c.13247C>T, p.Thr4416Met (NM_201382.4); c.13259C>T, p.Thr4420Met (NM_201383.3); short protein forms T4384M, T4394M, T4402M, T4416M, T4420M, T4443M, T4553M.
Identifiers: ClinVar variation 436328 (VCV000436328.50), dbSNP rs201855218, ClinGen allele CA4923869.

ClinVar aggregate classification (germline): Conflicting classifications of pathogenicity. Review status: criteria provided, conflicting classifications (1 of 4 stars). 10 submissions from 10 submitters: Uncertain significance (6); Likely benign (3). 1 of the submissions does not count toward it. Last evaluated 2026-01-18.

Conditions:
Epidermolysis bullosa simplex 5B, with muscular dystrophy (EBS5B). Also called: Epidermolysis bullosa simplex with muscular dystrophy; EPIDERMOLYSIS BULLOSA SIMPLEX AND LIMB-GIRDLE MUSCULAR DYSTROPHY. Identifiers: Orphanet 257, MedGen C2931072, MONDO:0009181, OMIM 226670.
Epidermolysis bullosa simplex, Ogna type (EBS5A). Also called: Pidermolysis bullosa simplex 5A, Ogna type; EPIDERMOLYSIS BULLOSA SIMPLEX 5A, OGNA TYPE. Identifiers: Orphanet 79401, MedGen C0432317, MONDO:0007555, OMIM 131950.
Epidermolysis bullosa simplex 5C, with pyloric atresia (EBS5C). Also called: PLEC-Related Epidermolysis Bullosa with Pyloric Atresia; Epidermolysis bullosa simplex with pyloric atresia; PLEC1-Related Epidermolysis Bullosa with Pyloric Atresia. Identifiers: Orphanet 158684, MedGen C2677349, MONDO:0012807, OMIM 612138.
Epidermolysis bullosa simplex with nail dystrophy (EBS5D). Identifiers: MedGen C4225309, MONDO:0014661, OMIM 616487.
Autosomal recessive limb-girdle muscular dystrophy type 2Q (LGMDR17). Also called: MUSCULAR DYSTROPHY, LIMB-GIRDLE, AUTOSOMAL RECESSIVE 17. Identifiers: Orphanet 254361, MedGen C3150989, MONDO:0013390, OMIM 613723.
Junctional epidermolysis bullosa with pyloric atresia. Also called: EPIDERMOLYSIS BULLOSA, JUNCTIONAL 5B, WITH PYLORIC ATRESIA; Junctional Epidermolysis Bullosa- Pyloric Atresia Syndrome; APLASIA CUTIS CONGENITA WITH GASTROINTESTINAL ATRESIA; CARMI SYNDROME; Epidermolysis bullosa, junctional, with pyloric atresia and aplasia cutis congenita; Epidermolysis bullosa junctionalis with pyloric atresia. Identifiers: Orphanet 79403, MedGen C5676875, MONDO:0009183, OMIM 226730.
Multiple sclerosis. Identifiers: MedGen C0026769, MONDO:0005301.
Inborn genetic diseases. Identifiers: MedGen C0950123, MeSH D030342.

Allele frequency attached by ClinVar (database versions not stated): gnomAD 0.00018 and 0.00021; TOPMed 0.00021; gnomAD exomes 0.00022; ExAC 0.00023; ESP Exome Variant Server 0.00025; 1000 Genomes Project 30x 0.00047; 1000 Genomes Project 0.00080.
gnomAD v4.1: 386 of 1,611,506 alleles (0.024%); highest among the groups gnomAD compares: Admixed American, 0.037%; no homozygotes.

Submissions (10):

Labcorp Genetics (formerly Invitae), Labcorp
Classification: Uncertain significance for Autosomal recessive limb-girdle muscular dystrophy type 2Q; Epidermolysis bullosa simplex, Ogna type; Epidermolysis bullosa simplex with nail dystrophy; Epidermolysis bullosa simplex 5C, with pyloric atresia; Epidermolysis bullosa simplex 5B, with muscular dystrophy. Last evaluated: 2026-01-18. Review status: criteria provided, single submitter. Criteria: Invitae Variant Classification Sherloc (09022015). Collection method: clinical testing. Allele origin: germline.
Comment: This sequence change replaces threonine, which is neutral and polar, with methionine, which is neutral and non-polar, at codon 4443 of the PLEC protein (p.Thr4443Met). This variant is present in population databases (rs201855218, gnomAD 0.08%). This variant has not been reported in the literature in individuals affected with PLEC-related conditions. ClinVar contains an entry for this variant (Variation ID: 436328). Invitae Evidence Modeling of protein sequence and biophysical properties (such as structural, functional, and spatial information, amino acid conservation, physicochemical variation, residue mobility, and thermodynamic stability) indicates that this missense variant is not expected to disrupt PLEC protein function with a negative predictive value of 80%. In summary, the available evidence is currently insufficient to determine the role of this variant in disease. Therefore, it has been classified as a Variant of Uncertain Significance.

Athena Diagnostics
Classification: Uncertain significance. Last evaluated: 2025-04-15. Review status: criteria provided, single submitter. Criteria: Athena Diagnostics Criteria. Collection method: clinical testing. Allele origin: unknown.
Comment: Available data are insufficient to determine the clinical significance of the variant at this time. The frequency of this variant in the general population is higher than would generally be expected for pathogenic variants in this gene. Polyphen and MutationTaster predict this amino acid change may be benign.

Blueprint Genetics
Classification: Likely benign. Last evaluated: 2024-06-12. Review status: criteria provided, single submitter. Criteria: ACMG Guidelines, 2015. Collection method: clinical testing. Allele origin: germline.

Revvity Omics, Revvity
Classification: Likely benign. Last evaluated: 2023-11-20. Review status: criteria provided, single submitter. Criteria: ACMG Guidelines, 2015. Collection method: clinical testing. Allele origin: germline.

CeGaT Center for Human Genetics Tuebingen
Classification: Likely benign. Last evaluated: 2023-09-01. Review status: criteria provided, single submitter. Criteria: CeGaT Center For Human Genetics Tuebingen Variant Classification Criteria Version 2. Collection method: clinical testing. Allele origin: germline. Affected: yes. Observed: 2 variant alleles.
Comment: PLEC: BP4

Ambry Genetics
Classification: Uncertain significance for Inborn genetic diseases. Last evaluated: 2021-08-02. Review status: criteria provided, single submitter. Criteria: Ambry Variant Classification Scheme 2023. Collection method: clinical testing. Allele origin: germline.

Fulgent Genetics
Classification: Uncertain significance for Epidermolysis bullosa simplex, Ogna type; Epidermolysis bullosa simplex 5B, with muscular dystrophy; Junctional epidermolysis bullosa with pyloric atresia; Epidermolysis bullosa simplex 5C, with pyloric atresia; Autosomal recessive limb-girdle muscular dystrophy type 2Q; Epidermolysis bullosa simplex with nail dystrophy. Last evaluated: 2018-10-31. Review status: criteria provided, single submitter. Criteria: ACMG Guidelines, 2015. Collection method: clinical testing. Allele origin: unknown.

Eurofins Ntd Llc (ga)
Classification: Uncertain significance. Last evaluated: 2018-07-13. Review status: criteria provided, single submitter. Criteria: EGL ClinVar v180209 classification definitions. Collection method: clinical testing. Allele origin: germline. Observed: 5 variant alleles, 5 heterozygotes.

Genetic Services Laboratory, University of Chicago
Classification: Uncertain significance. Last evaluated: 2016-05-05. Review status: criteria provided, single submitter. Criteria: ACMG Guidelines, 2015. Collection method: clinical testing. Allele origin: germline. Affected: no.

Department of Molecular Biology and Genetics, Acibadem University
Classification: Likely pathogenic for Multiple sclerosis. Last evaluated: 2024-06-10. Review status: no assertion criteria provided. Collection method: research. Allele origin: germline. Affected: yes. Not counted in ClinVar's aggregate classification.